The following is an entry in ClinVar:

ClinVar aggregate classification (germline): Uncertain significance (1 of 4 stars; one submission).

Allele frequency attached by ClinVar (database versions not stated): TOPMed 0.00001; ExAC 0.00002; gnomAD exomes 0.00002.
gnomAD v4.1: 31 of 1,613,752 alleles (0.0019%); highest among the groups gnomAD compares: Middle Eastern, 0.016%; 1 homozygote.

Submission:

Labcorp Genetics (formerly Invitae), Labcorp
Classification: Uncertain significance. Last evaluated: 2025-04-17. Review status: criteria provided, single submitter. Criteria: Invitae Variant Classification Sherloc (09022015). Collection method: clinical testing. Allele origin: germline.
Comment: This sequence change replaces threonine, which is neutral and polar, with methionine, which is neutral and non-polar, at codon 1796 of the RP1 protein (p.Thr1796Met). This variant is present in population databases (rs764959789, gnomAD 0.007%). This variant has not been reported in the literature in individuals affected with RP1-related conditions. ClinVar contains an entry for this variant (Variation ID: 1007104). An algorithm developed to predict the effect of missense changes on protein structure and function (PolyPhen-2) suggests that this variant is likely to be disruptive. In summary, the available evidence is currently insufficient to determine the role of this variant in disease. Therefore, it has been classified as a Variant of Uncertain Significance.

NM_006269.2(RP1):c.5387C>T (p.Thr1796Met)

Genes: RP1 (RP1 axonemal microtubule associated; plus strand), LOC126860392 (CDK7 strongly-dependent group 2 enhancer GRCh37_chr8:55541319-55542518; plus strand). Cytogenetic location: 8q12.1.
Variant type: single nucleotide variant.
Coding change: c.5387C>T on transcript NM_006269.2 (MANE Select); coding-DNA position 5387, C replaced by T.
Protein change: p.Thr1796Met; replaces threonine 1796 with methionine.
Molecular consequence: missense variant. On other transcripts: intron variant (1).
Genome position (GRCh38, 1-based): chr8:54,629,269, C>T. VCF-style: chr8-54629269-C-T. GRCh37 (hg19) VCF-style: chr8-55541829-C-T.
Other names: c.787+6981C>T (NM_001375654.1); short protein forms T1796M.
Identifiers: ClinVar variation 1007104 (VCV001007104.9), dbSNP rs764959789, ClinGen allele CA4752059.
Genomic context (GRCh38, chr8:54,629,269, plus strand): 5'-TTGATAATAACAGCAGTGAGGTACCATATTCACATTTTGGTAATTTGGCCCCAGGCCCAA[C>T]GATGGATGAACTCTCCTCTTCAGAACTCGAGGAACTGACTCAACCCCTTGAACTAAAATG-3'
Protein context (NP_006260.1, residues 1786-1806): SHFGNLAPGP[Thr1796Met]MDELSSSELE